The following is an entry in ClinVar:

NM_031935.3(HMCN1):c.16382A>G (p.Tyr5461Cys)

Gene: HMCN1 (hemicentin 1; plus strand). Cytogenetic location: 1q31.1.
Variant type: single nucleotide variant.
Coding change: c.16382A>G on transcript NM_031935.3 (MANE Select); coding-DNA position 16382, A replaced by G.
Protein change: p.Tyr5461Cys; replaces tyrosine 5461 with cysteine.
Molecular consequence: missense variant.
Genome position (GRCh38, 1-based): chr1:186,182,255, A>G. VCF-style: chr1-186182255-A-G. GRCh37 (hg19) VCF-style: chr1-186151387-A-G.
Other names: short protein forms Y5461C.
Identifiers: ClinVar variation 2796090 (VCV002796090.3), dbSNP rs772655636, ClinGen allele CA1295534.
Genomic context (GRCh38, chr1:186,182,255, plus strand): 5'-CCTGCCAGCATGAGTGTAAGAATACCTTTGGAAGTTATCAGTGCATCTGCCCACCTGGCT[A>G]TCAACTCACACACAATGGAAAGACATGCCAAGGTGAGAAAACATTGGGATGTTTATTGTT-3'
Protein context (NP_114141.2, residues 5451-5471): GSYQCICPPG[Tyr5461Cys]QLTHNGKTCQ

ClinVar aggregate classification (germline): Uncertain significance (1 of 4 stars; one submission).

Allele frequency attached by ClinVar (database versions not stated): ExAC 0.00001; gnomAD exomes 0.00001.
gnomAD v4.1: 15 of 1,613,534 alleles (0.00093%); highest among the groups gnomAD compares: Non-Finnish European, 0.001%; no homozygotes.

Submission:

Labcorp Genetics (formerly Invitae), Labcorp
Classification: Uncertain significance. Last evaluated: 2022-11-24. Review status: criteria provided, single submitter. Criteria: Invitae Variant Classification Sherloc (09022015). Collection method: clinical testing. Allele origin: germline.
Comment: This sequence change replaces tyrosine, which is neutral and polar, with cysteine, which is neutral and slightly polar, at codon 5461 of the HMCN1 protein (p.Tyr5461Cys). This variant is not present in population databases (gnomAD no frequency). This variant has not been reported in the literature in individuals affected with HMCN1-related conditions. Algorithms developed to predict the effect of missense changes on protein structure and function (SIFT, PolyPhen-2, Align-GVGD) all suggest that this variant is likely to be disruptive. In summary, the available evidence is currently insufficient to determine the role of this variant in disease. Therefore, it has been classified as a Variant of Uncertain Significance.